The following is an entry in ClinVar:

NM_001384910.1(GUCA1A):c.364A>G (p.Ile122Val)

Genes: GUCA1A (guanylate cyclase activator 1A; plus strand), GUCA1ANB-GUCA1A (GUCA1ANB-GUCA1A readthrough; plus strand). Cytogenetic location: 6p21.1.
Variant type: single nucleotide variant.
Coding change: c.364A>G on transcript NM_001384910.1 (MANE Select); coding-DNA position 364, A replaced by G.
Protein change: p.Ile122Val; replaces isoleucine 122 with valine.
Molecular consequence: missense variant.
Genome position (GRCh38, 1-based): chr6:42,178,814, A>G. VCF-style: chr6-42178814-A-G. GRCh37 (hg19) VCF-style: chr6-42146552-A-G.
Other names: c.364A>G, p.Ile122Val (NM_000409.5, NM_001319061.2, NM_001319062.2); short protein forms I122V.
Identifiers: ClinVar variation 167161 (VCV000167161.16), dbSNP rs372323165, ClinGen allele CA234104.

ClinVar aggregate classification (germline): Conflicting classifications of pathogenicity. Review status: criteria provided, conflicting classifications (1 of 4 stars). 5 submissions from 5 submitters: Uncertain significance (4); Benign (1). Last evaluated 2025-03-17.

Conditions:
Inborn genetic diseases. Identifiers: MedGen C0950123, MeSH D030342.
Cone dystrophy 3 (COD3). Also called: RETINAL CONE DYSTROPHY. Identifiers: Orphanet 1872, MedGen C1865869, MONDO:0011193, OMIM 602093.

Allele frequency attached by ClinVar (database versions not stated): TOPMed 0.00005; ExAC 0.00012; ESP Exome Variant Server 0.00015; gnomAD 0.00001; gnomAD exomes 0.00007 and 0.00010.
gnomAD v4.1: 110 of 1,613,132 alleles (0.0068%); highest among the groups gnomAD compares: Middle Eastern, 0.049%; 1 homozygote.

Submissions (5):

Labcorp Genetics (formerly Invitae), Labcorp
Classification: Uncertain significance. Last evaluated: 2025-03-17. Review status: criteria provided, single submitter. Criteria: Invitae Variant Classification Sherloc (09022015). Collection method: clinical testing. Allele origin: germline.
Comment: This sequence change replaces isoleucine, which is neutral and non-polar, with valine, which is neutral and non-polar, at codon 122 of the GUCA1A protein (p.Ile122Val). This variant is present in population databases (rs372323165, gnomAD 0.07%), and has an allele count higher than expected for a pathogenic variant. This variant has not been reported in the literature in individuals affected with GUCA1A-related conditions. ClinVar contains an entry for this variant (Variation ID: 167161). An algorithm developed to predict the effect of missense changes on protein structure and function (PolyPhen-2) suggests that this variant is likely to be tolerated. In summary, the available evidence is currently insufficient to determine the role of this variant in disease. Therefore, it has been classified as a Variant of Uncertain Significance.

Blueprint Genetics
Classification: Benign. Last evaluated: 2024-10-03. Review status: criteria provided, single submitter. Criteria: ACMG Guidelines, 2015. Collection method: clinical testing. Allele origin: germline.

Ambry Genetics
Classification: Uncertain significance for Inborn genetic diseases. Last evaluated: 2024-02-06. Review status: criteria provided, single submitter. Criteria: Ambry Variant Classification Scheme 2023. Collection method: clinical testing. Allele origin: germline.

Illumina Laboratory Services, Illumina
Classification: Uncertain significance for Cone dystrophy 3. Last evaluated: 2018-01-13. Review status: criteria provided, single submitter. Criteria: ICSL Variant Classification Criteria 13 December 2019. Collection method: clinical testing. Allele origin: germline.

Eurofins Ntd Llc (ga)
Classification: Uncertain significance. Last evaluated: 2014-03-12. Review status: criteria provided, single submitter. Criteria: EGL Classification Definitions 2015. Collection method: clinical testing. Allele origin: germline. Observed: 1 variant allele, 1 heterozygote.